The following is an entry in ClinVar:

ClinVar aggregate classification (germline): Uncertain significance (1 of 4 stars; one submission).

Conditions:
Xeroderma pigmentosum, group C (XPC). Also called: XERODERMA PIGMENTOSUM III; XP, GROUP C; Xeroderma pigmentosum, complementation group C; XPC-Related Xeroderma Pigmentosum. Identifiers: Orphanet 910, MedGen C2752147, MONDO:0010211, OMIM 278720.

Submission:

Myriad Genetics, Inc.
Classification: Uncertain significance for Xeroderma pigmentosum, group C. Last evaluated: 2026-05-18. Review status: criteria provided, single submitter. Criteria: Myriad Autosomal Dominant, Autosomal Recessive and X-Linked Classification Criteria (2023). Collection method: clinical testing. Allele origin: unknown.
Comment: NM_004628.4(XPC):c.2652_2670dup19(S891*) is a nonsense variant classified as a variant of uncertain significance in the context of xeroderma pigmentosum group C. S891* has not been observed in cases with relevant disease. Relevant functional assessments of this variant are not available in the literature. S891* has not been observed in referenced population frequency databases. In summary, there is insufficient evidence to classify NM_004628.4(XPC):c.2652_2670dup19(S891*) as pathogenic or benign. Please note: this variant was assessed in the context of healthy population screening.

NM_004628.5(XPC):c.2652_2670dup (p.Ser891Ter)

Gene: XPC (XPC complex subunit, DNA damage recognition and repair factor; minus strand). Cytogenetic location: 3p25.1.
Variant type: Duplication.
Coding change: c.2652_2670dup on transcript NM_004628.5 (MANE Select); coding-DNA positions 2652 to 2670, 19 bases duplicated (TGATGAAGAGGAGGGGACC).
Protein change: p.Ser891Ter; replaces serine 891 with a stop codon.
Molecular consequence: nonsense. On other transcripts: non-coding transcript variant (2).
Genome position (GRCh38, 1-based): chr3:14,146,094-14,146,112, GGTCCCCTCCTCTTCATCA duplicated on the plus strand (TGATGAAGAGGAGGGGACC on the coding strand, the reverse complement: XPC is on the minus strand); duplicating any 19 consecutive bases within chr3:14,146,094-14,146,113 gives the same sequence; the c. name uses the placement nearest the transcript's 3' end. VCF-style (leftmost placement, unchanged base first): chr3-14146093-T-TGGTCCCCTCCTCTTCATCA. GRCh37 (hg19) VCF-style: chr3-14187593-T-TGGTCCCCTCCTCTTCATCA.
Other names: c.2073_2091dup, p.Ser698Ter (NM_001354726.2); c.2646_2664dup, p.Ser889Ter (NM_001354727.2); c.2634_2652dup, p.Ser885Ter (NM_001354729.2); c.2406_2424dup, p.Ser809Ter (NM_001354730.2); short protein forms S891*, S698*, S809*, S885*, S889*.
Identifiers: ClinVar variation 5004517 (VCV005004517.1).